The following is an entry in ClinVar:

NM_000297.4(PKD2):c.41del (p.Asp14fs)

Genes: PKD2 (polycystin 2, transient receptor potential cation channel; plus strand), LOC129992813 (ATAC-STARR-seq lymphoblastoid silent region 15559; plus strand). Cytogenetic location: 4q22.1.
Variant type: Deletion.
Coding change: c.41del on transcript NM_000297.4 (MANE Select); coding-DNA position 41, one base deleted (A; older notation c.41delA).
Protein change: p.Asp14fs; shifts the reading frame from aspartic acid 14.
Molecular consequence: frameshift variant. On other transcripts: non-coding transcript variant (1).
Genome position (GRCh38, 1-based): chr4:88,007,774, A deleted. VCF-style (leftmost placement, unchanged base first): chr4-88007773-GA-G. GRCh37 (hg19) VCF-style: chr4-88928925-GA-G.
Other names: c.41delA (NM_000297.3); short protein forms D14fs.
Identifiers: ClinVar variation 1344891 (VCV001344891.6), dbSNP rs1474473957, ClinGen allele CA799592622.

ClinVar aggregate classification (germline): Conflicting classifications of pathogenicity. Review status: criteria provided, conflicting classifications (1 of 4 stars). 3 submissions from 3 submitters: Likely pathogenic (1); Uncertain significance (2). Last evaluated 2024-04-03.

Conditions:
PKD2-related disorder. Also called: PKD2-related condition.
Polycystic kidney disease 2 (PKD2). Also called: POLYCYSTIC KIDNEY DISEASE, ADULT, TYPE II; POLYCYSTIC KIDNEY DISEASE 2 WITH OR WITHOUT POLYCYSTIC LIVER DISEASE; Polycystic Kidney Disease 2, Autosomal Dominant. Identifiers: MedGen C2751306, MONDO:0013131, OMIM 613095.

Allele frequency attached by ClinVar (database versions not stated): gnomAD exomes below 0.00001; TOPMed 0.00001.

Submissions (3):

Fulgent Genetics
Classification: Uncertain significance for Polycystic kidney disease 2. Last evaluated: 2024-04-03. Review status: criteria provided, single submitter. Criteria: ACMG Guidelines, 2015. Collection method: clinical testing. Allele origin: germline.

PreventionGenetics, part of Exact Sciences
Classification: Uncertain significance for PKD2-related condition. Last evaluated: 2023-07-09. Review status: criteria provided, single submitter. Criteria: ACMG Guidelines, 2015. Collection method: clinical testing. Allele origin: germline.
Comment: The PKD2 c.41delA variant is predicted to result in a frameshift and premature protein termination (p.Asp14Alafs*16). To our knowledge, this variant has not been reported in the literature or in a large population database, indicating this variant is rare. This variant is located in the first exon and no protein-truncating variants upstream are documented in the literature. Furthermore, multiple ATG codons are present downstream of the c.41del variant in the first exon. Taken together, although we suspect that this variant may be pathogenic, at this time, the clinical significance of this variant is uncertain due to the absence of conclusive functional and genetic evidence.

Dasa
Classification: Likely pathogenic for Polycystic kidney disease 2. Last evaluated: 2022-03-05. Review status: criteria provided, single submitter. Criteria: ACMG Guidelines, 2015. Collection method: clinical testing. Allele origin: germline. Affected: yes. Observed: 1 variant allele.
Comment: The c.41delA;p.(Asp14Alafs*16) is a null frameshift variant (NMD) in the PKD2 gene and predicts alteration of the nonsense-mediate decay - NMD is present in a relevant exon to the transcript - PVS1. This variant is not present in population databases (rs1474473957- gnomAD; ABraOM no frequency.) - PM2. In summary, the currently available evidence indicates that the variant is likely pathogenic.